The following is an entry in ClinVar:

ClinVar aggregate classification (germline): Uncertain significance (1 of 4 stars; one submission).

Conditions:
Hereditary diffuse gastric adenocarcinoma (HDGC). Also called: DIFFUSE GASTRIC AND LOBULAR BREAST CANCER SYNDROME. Identifiers: Orphanet 26106, MedGen C1708349, MONDO:0007648, OMIM 137215.

Submission:

Labcorp Genetics (formerly Invitae), Labcorp
Classification: Uncertain significance for Hereditary diffuse gastric adenocarcinoma. Last evaluated: 2018-08-07. Review status: criteria provided, single submitter. Criteria: Invitae Variant Classification Sherloc (09022015). Collection method: clinical testing. Allele origin: germline.
Comment: This sequence change replaces glycine with aspartic acid at codon 62 of the CDH1 protein (p.Gly62Asp). The glycine residue is highly conserved and there is a moderate physicochemical difference between glycine and aspartic acid. In summary, the available evidence is currently insufficient to determine the role of this variant in disease. Therefore, it has been classified as a Variant of Uncertain Significance. Algorithms developed to predict the effect of missense changes on protein structure and function (SIFT, PolyPhen-2, Align-GVGD) all suggest that this variant is likely to be tolerated, but these predictions have not been confirmed by published functional studies and their clinical significance is uncertain. This variant has not been reported in the literature in individuals with CDH1-related disease. ClinVar contains an entry for this variant (Variation ID: 463734). This variant is not present in population databases (ExAC no frequency).

NM_004360.5(CDH1):c.185G>A (p.Gly62Asp)

Gene: CDH1 (cadherin 1; plus strand). Cytogenetic location: 16q22.1.
Variant type: single nucleotide variant.
Coding change: c.185G>A on transcript NM_004360.5 (MANE Select); coding-DNA position 185, G replaced by A.
Protein change: p.Gly62Asp; replaces glycine 62 with aspartic acid.
Molecular consequence: missense variant. On other transcripts: 5 prime UTR variant (2).
Genome position (GRCh38, 1-based): chr16:68,801,691, G>A. VCF-style: chr16-68801691-G-A. GRCh37 (hg19) VCF-style: chr16-68835594-G-A.
Other names: c.185G>A (LRG_301t1); c.185G>A, p.Gly62Asp (NM_001317184.2); c.-1431G>A (NM_001317185.2); c.-1635G>A (NM_001317186.2); short protein forms G62D.
Identifiers: ClinVar variation 463734 (VCV000463734.10), dbSNP rs786203727, ClinGen allele CA396457121.
Genomic context (GRCh38, chr16:68,801,691, plus strand): 5'-CTGTCCAATTTCCTAATCTCTGTGATTTCTGCCCTGCAGTGAATTTTGAAGATTGCACCG[G>A]TCGACAAAGGACAGCCTATTTTTCCCTCGACACCCGATTCAAAGTGGGCACAGATGGTGT-3'
Protein context (NP_004351.1, residues 52-72): LGRVNFEDCT[Gly62Asp]RQRTAYFSLD